The following is an entry in ClinVar:

ClinVar aggregate classification (germline): Uncertain significance (1 of 4 stars; one submission).

Submission:

Labcorp Genetics (formerly Invitae), Labcorp
Classification: Uncertain significance. Last evaluated: 2024-05-08. Review status: criteria provided, single submitter. Criteria: Invitae Variant Classification Sherloc (09022015). Collection method: clinical testing. Allele origin: germline.
Comment: This sequence change replaces alanine, which is neutral and non-polar, with threonine, which is neutral and polar, at codon 53 of the AP3D1 protein (p.Ala53Thr). Information on the frequency of this variant in the gnomAD database is not available, as this variant may be reported differently in the database. This variant has not been reported in the literature in individuals affected with AP3D1-related conditions. Experimental studies and prediction algorithms are not available or were not evaluated, and the functional significance of this variant is currently unknown. In summary, the available evidence is currently insufficient to determine the role of this variant in disease. Therefore, it has been classified as a Variant of Uncertain Significance.

NM_001261826.3(AP3D1):c.156_157delinsCA (p.Ala53Thr)

Gene: AP3D1 (adaptor related protein complex 3 subunit delta 1; minus strand). Cytogenetic location: 19p13.3.
Variant type: Indel.
Coding change: c.156_157delinsCA on transcript NM_001261826.3 (MANE Select); coding-DNA positions 156 to 157, AG replaced by CA.
Protein change: p.Ala53Thr; replaces alanine 53 with threonine.
Molecular consequence: missense variant.
Genome position (GRCh38, 1-based): chr19:2,138,654-2,138,655, CT replaced by TG on the plus strand (AG replaced by CA on the coding strand, the reverse complement: AP3D1 is on the minus strand). VCF-style: chr19-2138654-CT-TG. GRCh37 (hg19) VCF-style: chr19-2138653-CT-TG.
Other names: c.156_157delinsCA, p.Ala53Thr (NM_001374799.1, NM_003938.8); short protein forms A53T.
Identifiers: ClinVar variation 3650928 (VCV003650928.2).